The following is an entry in ClinVar:

ClinVar aggregate classification (germline): Uncertain significance (1 of 4 stars; one submission).

Conditions:
LAMA2-related muscular dystrophy (LAMA2-RD). Also called: Laminin alpha 2-related dystrophy. Identifiers: MedGen C5679788, MONDO:0100228.

gnomAD v4.1: 1 of 1,613,924 alleles (0.000062%); highest among the groups gnomAD compares: Non-Finnish European, 0.000085%; no homozygotes.

Submission:

Labcorp Genetics (formerly Invitae), Labcorp
Classification: Uncertain significance for LAMA2-related muscular dystrophy. Last evaluated: 2022-09-06. Review status: criteria provided, single submitter. Criteria: Invitae Variant Classification Sherloc (09022015). Collection method: clinical testing. Allele origin: germline.
Comment: In summary, the available evidence is currently insufficient to determine the role of this variant in disease. Therefore, it has been classified as a Variant of Uncertain Significance. Advanced modeling of protein sequence and biophysical properties (such as structural, functional, and spatial information, amino acid conservation, physicochemical variation, residue mobility, and thermodynamic stability) performed at Invitae indicates that this missense variant is not expected to disrupt LAMA2 protein function. ClinVar contains an entry for this variant (Variation ID: 1037828). This variant has not been reported in the literature in individuals affected with LAMA2-related conditions. This variant is not present in population databases (gnomAD no frequency). This sequence change replaces glycine, which is neutral and non-polar, with glutamic acid, which is acidic and polar, at codon 1315 of the LAMA2 protein (p.Gly1315Glu).

NM_000426.4(LAMA2):c.3944G>A (p.Gly1315Glu)

Gene: LAMA2 (laminin subunit alpha 2; plus strand). Cytogenetic location: 6q22.33.
Variant type: single nucleotide variant.
Coding change: c.3944G>A on transcript NM_000426.4 (MANE Select); coding-DNA position 3944, G replaced by A.
Protein change: p.Gly1315Glu; replaces glycine 1315 with glutamic acid.
Molecular consequence: missense variant.
Genome position (GRCh38, 1-based): chr6:129,316,057, G>A. VCF-style: chr6-129316057-G-A. GRCh37 (hg19) VCF-style: chr6-129637202-G-A.
Other names: c.3944G>A, p.Gly1315Glu (NM_001079823.2); short protein forms G1315E.
Identifiers: ClinVar variation 1037828 (VCV001037828.9), dbSNP rs1418316896, ClinGen allele CA365613633.